The following is an entry in ClinVar:

ClinVar aggregate classification (germline): Uncertain significance. Review status: criteria provided, multiple submitters, no conflicts (2 of 4 stars). 4 submissions from 4 submitters: Uncertain significance (4). Last evaluated 2024-12-15.

Conditions:
Birt-Hogg-Dube syndrome. Also called: Birt Hogg Dubé syndrome. Identifiers: Orphanet 122, MedGen C0346010, MONDO:0800444.
Hereditary cancer-predisposing syndrome. Also called: Neoplastic Syndromes, Hereditary; Tumor predisposition; Hereditary Cancer Syndrome; Hereditary neoplastic syndrome. Identifiers: Orphanet 140162, MedGen C0027672, MeSH D009386, MONDO:0015356.

Allele frequency attached by ClinVar (database versions not stated): gnomAD exomes below 0.00001 and 0.00001.

Submissions (4):

Ambry Genetics
Classification: Uncertain significance for Hereditary cancer-predisposing syndrome. Last evaluated: 2024-12-15. Review status: criteria provided, single submitter. Criteria: Ambry Variant Classification Scheme 2023. Collection method: clinical testing. Allele origin: germline.
Comment: The p.M394T variant (also known as c.1181T>C), located in coding exon 8 of the FLCN gene, results from a T to C substitution at nucleotide position 1181. The methionine at codon 394 is replaced by threonine, an amino acid with similar properties. This amino acid position is well conserved in available vertebrate species. In addition, the in silico prediction for this alteration is inconclusive. Since supporting evidence is limited at this time, the clinical significance of this alteration remains unclear.

Labcorp Genetics (formerly Invitae), Labcorp
Classification: Uncertain significance for Birt-Hogg-Dube syndrome. Last evaluated: 2024-10-11. Review status: criteria provided, single submitter. Criteria: Invitae Variant Classification Sherloc (09022015). Collection method: clinical testing. Allele origin: germline.
Comment: This sequence change replaces methionine, which is neutral and non-polar, with threonine, which is neutral and polar, at codon 394 of the FLCN protein (p.Met394Thr). This variant is present in population databases (no rsID available, gnomAD 0.0009%). This variant has not been reported in the literature in individuals affected with FLCN-related conditions. ClinVar contains an entry for this variant (Variation ID: 858638). Invitae Evidence Modeling of protein sequence and biophysical properties (such as structural, functional, and spatial information, amino acid conservation, physicochemical variation, residue mobility, and thermodynamic stability) indicates that this missense variant is not expected to disrupt FLCN protein function with a negative predictive value of 80%. In summary, the available evidence is currently insufficient to determine the role of this variant in disease. Therefore, it has been classified as a Variant of Uncertain Significance.

Blueprint Genetics
Classification: Uncertain significance. Last evaluated: 2024-03-14. Review status: criteria provided, single submitter. Criteria: ACMG Guidelines, 2015. Collection method: clinical testing. Allele origin: germline.

GeneDx
Classification: Uncertain significance. Last evaluated: 2019-10-11. Review status: criteria provided, single submitter. Criteria: GeneDx Variant Classification Process June 2021. Collection method: clinical testing. Allele origin: germline. Affected: yes.
Comment: Not observed at a significant frequency in large population cohorts (Lek 2016); In silico analysis, which includes protein predictors and evolutionary conservation, supports that this variant does not alter protein structure/function; Has not been previously published as pathogenic or benign to our knowledge

NM_144997.7(FLCN):c.1181T>C (p.Met394Thr)

Gene: FLCN (folliculin; minus strand). Cytogenetic location: 17p11.2.
Variant type: single nucleotide variant.
Coding change: c.1181T>C on transcript NM_144997.7 (MANE Select); coding-DNA position 1181, T replaced by C.
Protein change: p.Met394Thr; replaces methionine 394 with threonine.
Molecular consequence: missense variant.
Genome position (GRCh38, 1-based): chr17:17,216,499, A>G on the plus strand (T>C on the coding strand, the complement: FLCN is on the minus strand). VCF-style: chr17-17216499-A-G. GRCh37 (hg19) VCF-style: chr17-17119813-A-G.
Other names: c.1235T>C, p.Met412Thr (NM_001353229.2); c.1181T>C, p.Met394Thr (NM_001353230.2, NM_001353231.2); short protein forms M412T, M394T.
Identifiers: ClinVar variation 858638 (VCV000858638.15), dbSNP rs1335868794, ClinGen allele CA398532013.